The following is an entry in ClinVar:

NM_000441.2(SLC26A4):c.1069G>A (p.Ala357Thr)

Gene: SLC26A4 (solute carrier family 26 member 4; plus strand). Cytogenetic location: 7q22.3.
Variant type: single nucleotide variant.
Coding change: c.1069G>A on transcript NM_000441.2 (MANE Select); coding-DNA position 1069, G replaced by A.
Protein change: p.Ala357Thr; replaces alanine 357 with threonine.
Molecular consequence: missense variant.
Genome position (GRCh38, 1-based): chr7:107,689,120, G>A. VCF-style: chr7-107689120-G-A. GRCh37 (hg19) VCF-style: chr7-107329565-G-A.
Other names: NM_000441.1(SLC26A4):c.1069G>A; short protein forms A357T.
Identifiers: ClinVar variation 43491 (VCV000043491.33), dbSNP rs145467740, ClinGen allele CA132654.

ClinVar aggregate classification (germline): Likely benign. Review status: reviewed by expert panel (3 of 4 stars). 12 submissions from 11 submitters: Likely benign (1). 11 of the submissions do not count toward it. Last evaluated 2025-02-19.

Conditions:
SLC26A4-related disorder. Also called: SLC26A4-related condition; SLC26A4-related disorders.
Autosomal recessive nonsyndromic hearing loss 4 (DFNB4). Also called: Deafness, autosomal recessive 4, with enlarged vestibular aqueduct; DEAFNESS, AUTOSOMAL RECESSIVE 4, WITH ENLARGED VESTIBULAR AQUEDUCT, DIGENIC; Deafness, autosomal recessive 4; FOXI1-Related Pendred Syndrome; KCNJ10-Related Pendred Syndrome; Enlarged vestibular aqueduct, digenic. Identifiers: Orphanet 90636, MedGen C3538946, MONDO:0010933, OMIM 600791.
Pendred syndrome (PDS). Also called: DEAFNESS WITH GOITER; GOITER-DEAFNESS SYNDROME; HYPOTHYROIDISM, CONGENITAL, DUE TO DYSHORMONOGENESIS, 2B; Pendred's syndrome; Pendred Syndrome (PDS); THYROID DYSHORMONOGENESIS 2B. Identifiers: Orphanet 705, MedGen C0271829, MONDO:0010134, OMIM 274600.

Allele frequency attached by ClinVar (database versions not stated): gnomAD exomes 0.00043; ExAC 0.00049; ESP Exome Variant Server 0.00146; gnomAD 0.00163 and 0.00166; TOPMed 0.00187; 1000 Genomes Project 30x 0.00203; 1000 Genomes Project 0.00220.

Submissions (12):

ClinGen Hearing Loss Variant Curation Expert Panel
Classification: Likely benign for Pendred syndrome. Last evaluated: 2025-02-19. Review status: reviewed by expert panel. Criteria: Clingen Hl Acmg Specifications Cdh23 Coch Gjb2 Kcnq4 Myo6 Myo7a Slc26a4 Tecta Ush2a V2. Collection method: curation. Allele origin: germline. Inheritance: Autosomal recessive inheritance.
Comment: The filtering allele frequency of the c.1069G>A (p.Ala357Thr) variant in the SLC26A4 gene is 0.46% for African/African American chromosomes by gnomAD v4.1.0 (489/1613848 with 95% CI), which is a high enough frequency to be classified as likely benign based on the thresholds defined by the ClinGen Hearing Loss Expert Panel (HL VCEP) for autosomal recessive hearing loss variants (BS1). The REVEL computational prediction analysis tool produced a score of 0.849, which is above the threshold necessary to apply PP3. The HL VCEP allows classification of variants as likely benign with only BS1 if no other criteria are in conflict. The HL EP reviewed the conflicting evidence (PP3) and felt it did not override the Likely Benign classification in this case as computational scores are error prone, especially when predicting pathogenicity. In summary, the HL VCEP classified this variant as likely benign. (BS1, PP3; Clingen Hearing Loss VCEP Specifications Version 2; 02/19/2025).

Women's Health and Genetics/Laboratory Corporation of America, LabCorp
Classification: Likely benign. Last evaluated: 2026-06-04. Review status: criteria provided, single submitter. Criteria: LabCorp Variant Classification Summary - May 2015. Collection method: clinical testing. Allele origin: germline. Not counted in ClinVar's aggregate classification.
Comment: Variant summary: SLC26A4 c.1069G>A (p.Ala357Thr) results in a non-conservative amino acid change in the encoded protein sequence. Algorithms developed to predict the effect of missense changes on protein structure and function all suggest that this variant is likely to be disruptive. The variant allele was found at a frequency of 0.00043 in 251198 control chromosomes, predominantly at a frequency of 0.0051 within the African or African-American subpopulation in the gnomAD database. The observed variant frequency within African or African-American control individuals in the gnomAD database exceeds the estimated maximal expected allele frequency for disease-causing variants in SLC26A4. To our knowledge, no occurrence of c.1069G>A in individuals affected with SLC26A4-related conditions and no experimental evidence demonstrating its impact on protein function have been reported. ClinVar contains an entry for this variant (Variation ID: 43491). Based on the evidence outlined above, the variant was classified as likely benign.

Labcorp Genetics (formerly Invitae), Labcorp
Classification: Likely benign. Last evaluated: 2026-02-04. Review status: criteria provided, single submitter. Criteria: Invitae Variant Classification Sherloc (09022015). Collection method: clinical testing. Allele origin: germline. Not counted in ClinVar's aggregate classification.

Blueprint Genetics
Classification: Likely benign. Last evaluated: 2024-11-25. Review status: criteria provided, single submitter. Criteria: ACMG Guidelines, 2015. Collection method: clinical testing. Allele origin: germline. Not counted in ClinVar's aggregate classification.

GeneDx
Classification: Likely benign. Last evaluated: 2021-08-19. Review status: criteria provided, single submitter. Criteria: GeneDx Variant Classification Process June 2021. Collection method: clinical testing. Allele origin: germline. Affected: yes. Not counted in ClinVar's aggregate classification.

Illumina Laboratory Services, Illumina
Classification: Uncertain significance for Autosomal recessive nonsyndromic hearing loss 4. Last evaluated: 2018-01-13. Review status: criteria provided, single submitter. Criteria: ICSL Variant Classification Criteria 13 December 2019. Collection method: clinical testing. Allele origin: germline. Not counted in ClinVar's aggregate classification.

Illumina Laboratory Services, Illumina
Classification: Uncertain significance for Pendred syndrome. Last evaluated: 2018-01-13. Review status: criteria provided, single submitter. Criteria: ICSL Variant Classification Criteria 13 December 2019. Collection method: clinical testing. Allele origin: germline. Not counted in ClinVar's aggregate classification.

Laboratory for Molecular Medicine, Mass General Brigham Personalized Medicine
Classification: Benign. Last evaluated: 2016-05-02. Review status: criteria provided, single submitter. Criteria: LMM Criteria. Collection method: clinical testing. Allele origin: germline. Observed: 3 variant alleles. Not counted in ClinVar's aggregate classification.
Comment: p.Ala357Thr in exon 9 of SLC26A4: This variant is not expected to have clinical significance because it has been identified in 0.5% (53/10406) of African Americ an chromosomes by the Exome Aggregation Consortium (ExAC; dbSNP rs145467740).

Eurofins Ntd Llc (ga)
Classification: Likely benign. Last evaluated: 2016-03-21. Review status: criteria provided, single submitter. Criteria: EGL Classification Definitions 2015. Collection method: clinical testing. Allele origin: germline. Observed: 1 variant allele, 1 heterozygote. Not counted in ClinVar's aggregate classification.

Breakthrough Genomics
Classification: Benign. Review status: criteria provided, single submitter. Criteria: ACMG Guidelines, 2015. Collection method: not provided. Allele origin: germline. Inheritance: Autosomal recessive inheritance. Affected: yes. Not counted in ClinVar's aggregate classification.

PreventionGenetics, part of Exact Sciences
Classification: Likely benign for SLC26A4-related condition. Last evaluated: 2024-01-04. Review status: no assertion criteria provided. Collection method: clinical testing. Allele origin: germline. Not counted in ClinVar's aggregate classification.
Comment: This variant is classified as likely benign based on ACMG/AMP sequence variant interpretation guidelines (Richards et al. 2015 PMID: 25741868, with internal and published modifications).

Natera, Inc.
Classification: Uncertain significance for Pendred syndrome. Last evaluated: 2019-12-16. Review status: no assertion criteria provided. Collection method: clinical testing. Allele origin: germline. Not counted in ClinVar's aggregate classification.